The following is an entry in ClinVar:

NM_001918.5(DBT):c.1033G>A (p.Gly345Arg)

Gene: DBT (dihydrolipoamide branched chain transacylase E2; minus strand). Cytogenetic location: 1p21.2.
Variant type: single nucleotide variant.
Coding change: c.1033G>A on transcript NM_001918.5 (MANE Select); coding-DNA position 1033, G replaced by A.
Protein change: p.Gly345Arg; replaces glycine 345 with arginine.
Molecular consequence: missense variant.
Genome position (GRCh38, 1-based): chr1:100,206,621, C>T on the plus strand (G>A on the coding strand, the complement: DBT is on the minus strand). VCF-style: chr1-100206621-C-T. GRCh37 (hg19) VCF-style: chr1-100672177-C-T.
Other names: short protein forms G345R.
Identifiers: ClinVar variation 224073 (VCV000224073.2), dbSNP rs869312132, ClinGen allele CA354965.

ClinVar aggregate classification (germline): Pathogenic (1 of 4 stars; one submission).

Conditions:
Maple syrup urine disease (MSUD). Identifiers: Orphanet 511, MedGen C0024776, MeSH D008375, MONDO:0009563. Disease mechanism: loss of function.

Submission:

Institute of Medical Genetics and Genomics, Sir Ganga Ram Hospital
Classification: Pathogenic for Maple syrup urine disease type 1A. Last evaluated: 2013-01-01. Review status: criteria provided, single submitter. Criteria: Submitter's publication. Collection method: research. Allele origin: germline. Affected: yes. Observed: 2 variant alleles.
Comment: As heterozygous in 2 patients